The following is an entry in ClinVar:

ClinVar aggregate classification (germline): Likely pathogenic (1 of 4 stars; one submission).

Conditions:
Intellectual developmental disorder with dysmorphic facies and behavioral abnormalities. Identifiers: MedGen C4748135, MONDO:0060760, OMIM 618089.

Submission:

Laboratorio de Genetica e Diagnostico Molecular, Hospital Israelita Albert Einstein
Classification: Likely pathogenic for Intellectual developmental disorder with dysmorphic facies and behavioral abnormalities. Last evaluated: 2025-02-26. Review status: criteria provided, single submitter. Criteria: ACMG Guidelines, 2015. Collection method: clinical testing. Allele origin: germline. Affected: yes.
Comment: ACMG classification criteria: PVS1 very strong, PM2 supporting

NM_001190274.2(FBXO11):c.1169_1173delinsTCAGAACTGC (p.Cys390fs)

Gene: FBXO11 (F-box protein 11; minus strand). Cytogenetic location: 2p16.3.
Variant type: Indel.
Coding change: c.1169_1173delinsTCAGAACTGC on transcript NM_001190274.2 (MANE Select); coding-DNA positions 1169 to 1173, GTGTT replaced by TCAGAACTGC.
Protein change: p.Cys390fs; shifts the reading frame from cysteine 390.
Molecular consequence: frameshift variant.
Genome position (GRCh38, 1-based): chr2:47,832,659-47,832,663, AACAC replaced by GCAGTTCTGA on the plus strand (GTGTT replaced by TCAGAACTGC on the coding strand, the reverse complement: FBXO11 is on the minus strand). VCF-style: chr2-47832659-AACAC-GCAGTTCTGA. GRCh37 (hg19) VCF-style: chr2-48059798-AACAC-GCAGTTCTGA.
Other names: c.917_921delinsTCAGAACTGC, p.Cys306fs (NM_001374325.1, NM_025133.4); short protein forms C306fs, C390fs.
Identifiers: ClinVar variation 3902012 (VCV003902012.1).